The following is an entry in ClinVar:

NM_001164463.1(RGPD8):c.3719A>G (p.Glu1240Gly)

Gene: RGPD8 (RANBP2 like and GRIP domain containing 8; minus strand). Cytogenetic location: 2q14.1.
Variant type: single nucleotide variant.
Coding change: c.3719A>G on transcript NM_001164463.1 (MANE Select); coding-DNA position 3719, A replaced by G.
Protein change: p.Glu1240Gly; replaces glutamic acid 1240 with glycine.
Molecular consequence: missense variant.
Genome position (GRCh38, 1-based): chr2:112,389,226, T>C on the plus strand (A>G on the coding strand, the complement: RGPD8 is on the minus strand). VCF-style: chr2-112389226-T-C. GRCh37 (hg19) VCF-style: chr2-113146803-T-C.
Other names: short protein forms E1240G.
Identifiers: ClinVar variation 2651277 (VCV002651277.25), dbSNP rs573582812, ClinGen allele CA1834072.

ClinVar aggregate classification (germline): Conflicting classifications of pathogenicity. Review status: criteria provided, conflicting classifications (1 of 4 stars). 2 submissions from 2 submitters: Uncertain significance (1); Likely benign (1). Last evaluated 2024-04-26.

Allele frequency attached by ClinVar (database versions not stated): gnomAD exomes 0.00004; ExAC 0.00007; 1000 Genomes Project 30x 0.00016; 1000 Genomes Project 0.00020.

Submissions (2):

Ambry Genetics
Classification: Uncertain significance. Last evaluated: 2024-04-26. Review status: criteria provided, single submitter. Criteria: Ambry Variant Classification Scheme 2023. Collection method: clinical testing. Allele origin: germline.

CeGaT Center for Human Genetics Tuebingen
Classification: Likely benign. Last evaluated: 2022-12-01. Review status: criteria provided, single submitter. Criteria: CeGaT Center For Human Genetics Tuebingen Variant Classification Criteria Version 2. Collection method: clinical testing. Allele origin: germline. Affected: yes. Observed: 1 variant allele.
Comment: RGPD8: BS2